The following is an entry in ClinVar:

ClinVar aggregate classification (germline): Uncertain significance (1 of 4 stars; one submission).

Conditions:
Renal cell carcinoma. Identifiers: Orphanet 217071, MedGen C0007134, MeSH D002292, MONDO:0005086, HP:0005584.

Submission:

Labcorp Genetics (formerly Invitae), Labcorp
Classification: Uncertain significance for Renal cell carcinoma. Last evaluated: 2022-04-11. Review status: criteria provided, single submitter. Criteria: Invitae Variant Classification Sherloc (09022015). Collection method: clinical testing. Allele origin: germline.
Comment: In summary, the available evidence is currently insufficient to determine the role of this variant in disease. Therefore, it has been classified as a Variant of Uncertain Significance. Algorithms developed to predict the effect of missense changes on protein structure and function output the following: SIFT: "Tolerated"; PolyPhen-2: "Benign"; Align-GVGD: "Class C0". The isoleucine amino acid residue is found in multiple mammalian species, which suggests that this missense change does not adversely affect protein function. This variant has not been reported in the literature in individuals affected with MET-related conditions. This variant is not present in population databases (gnomAD no frequency). This sequence change replaces methionine, which is neutral and non-polar, with isoleucine, which is neutral and non-polar, at codon 619 of the MET protein (p.Met619Ile).

NM_000245.4(MET):c.1857G>A (p.Met619Ile)

Gene: MET (MET proto-oncogene, receptor tyrosine kinase; plus strand). Cytogenetic location: 7q31.2.
Variant type: single nucleotide variant.
Coding change: c.1857G>A on transcript NM_000245.4 (MANE Select); coding-DNA position 1857, G replaced by A.
Protein change: p.Met619Ile; replaces methionine 619 with isoleucine.
Molecular consequence: missense variant.
Genome position (GRCh38, 1-based): chr7:116,755,510, G>A. VCF-style: chr7-116755510-G-A. GRCh37 (hg19) VCF-style: chr7-116395564-G-A.
Other names: c.1857G>A, p.Met619Ile (NM_001127500.3, NM_001324401.3); c.567G>A, p.Met189Ile (NM_001324402.2); short protein forms M619I, M189I.
Identifiers: ClinVar variation 2124714 (VCV002124714.4), dbSNP rs2116911106, ClinGen allele CA368978374.